The following is an entry in ClinVar:

NM_018723.4(RBFOX1):c.1071+360T>G

Genes: RBFOX1 (RNA binding fox-1 homolog 1; plus strand), LOC126862279 (MED14-independent group 3 enhancer GRCh37_chr16:7758954-7760153; plus strand). Cytogenetic location: 16p13.3.
Variant type: single nucleotide variant.
Coding change: c.1071+360T>G on transcript NM_018723.4 (MANE Select); 360 bases into the intron after coding-DNA position 1071, T replaced by G.
Molecular consequence: intron variant.
Genome position (GRCh38, 1-based): chr16:7,709,491, T>G. VCF-style: chr16-7709491-T-G. GRCh37 (hg19) VCF-style: chr16-7759493-T-G.
Other names: c.1721+360T>G (NM_001415887.1); c.1587+360T>G (NM_001415888.1); c.1124+360T>G (NM_001364800.2); c.990+360T>G (NM_001142333.2); c.1253+360T>G (NM_001415895.1); c.1200+360T>G (NM_001415891.1); c.1172+360T>G (NM_001415907.1); c.1119+360T>G (NM_001415897.1); and 29 more.
Identifiers: ClinVar variation 5001644 (VCV005001644.1).

ClinVar aggregate classification (germline): Uncertain significance (1 of 4 stars; one submission).

Conditions:
RBFOX1-related disorder. Also called: RBFOX1-related condition.

gnomAD v4.1: 1 of 1,477,130 alleles (0.000068%); highest among the groups gnomAD compares: Non-Finnish European, 0.000089%; no homozygotes.

Submission:

PreventionGenetics, part of Exact Sciences
Classification: Uncertain significance for RBFOX1-related condition. Last evaluated: 2025-06-20. Review status: criteria provided, single submitter. Criteria: ACMG Guidelines, 2015. Collection method: clinical testing. Allele origin: germline.
Comment: The RBFOX1 c.1201-3T>G variant is predicted to interfere with splicing. To our knowledge, this variant has not been reported in the literature or in a large population database (gnomAD), indicating this variant is rare. This variant is predicted to alter splicing based on available splicing prediction programs (SpliceAI, Jaganathan et al. 2019. PubMed ID: 30661751). At this time, the clinical significance of this variant is uncertain due to the absence of conclusive functional and genetic evidence.